The following is an entry in ClinVar:

ClinVar aggregate classification (germline): Uncertain significance. Review status: criteria provided, multiple submitters, no conflicts (2 of 4 stars). 2 submissions from 2 submitters: Uncertain significance (2). Last evaluated 2026-02-06.

Allele frequency attached by ClinVar (database versions not stated): gnomAD exomes 0.00006; ExAC 0.00008; ESP Exome Variant Server 0.00008; gnomAD 0.00010 and 0.00011; 1000 Genomes Project 0.00020; 1000 Genomes Project 30x 0.00047.
gnomAD v4.1: 160 of 1,614,034 alleles (0.0099%); highest among the groups gnomAD compares: African/African-American, 0.013%; no homozygotes.

Submissions (2):

Women's Health and Genetics/Laboratory Corporation of America, LabCorp
Classification: Uncertain significance. Last evaluated: 2026-02-06. Review status: criteria provided, single submitter. Criteria: LabCorp Variant Classification Summary - May 2015. Collection method: clinical testing. Allele origin: germline.
Comment: Variant summary: CXCR2 c.109G>A (p.Ala37Thr) results in a non-conservative amino acid change in the encoded protein sequence. Algorithms developed to predict the effect of missense changes on protein structure and function are either unavailable or do not agree on the potential impact of this missense change. The variant allele was found at a frequency of 6.4e-05 in 251492 control chromosomes. This frequency is not significantly higher than estimated for disease-causing variants in CXCR2, allowing no conclusion about variant significance. c.109G>A has been observed in the heterozygous state in several apparently unaffected individual(s) with lower white blood cell counts than controls (example, Auer_2014) without strong evidence for causality. These report(s) do not provide unequivocal conclusions about association of the variant with WHIM syndrome 2. To our knowledge, no experimental evidence demonstrating an impact on protein function has been reported. The following publications have been ascertained in the context of this evaluation (PMID: 31187320, 24777453, 26418010). ClinVar contains an entry for this variant (Variation ID: 1400299). Based on the evidence outlined above, the variant was classified as uncertain significance.

Labcorp Genetics (formerly Invitae), Labcorp
Classification: Uncertain significance. Last evaluated: 2022-11-03. Review status: criteria provided, single submitter. Criteria: Invitae Variant Classification Sherloc (09022015). Collection method: clinical testing. Allele origin: germline.
Comment: This sequence change replaces alanine, which is neutral and non-polar, with threonine, which is neutral and polar, at codon 37 of the CXCR2 protein (p.Ala37Thr). This variant is present in population databases (rs75759064, gnomAD 0.02%). This variant has not been reported in the literature in individuals affected with CXCR2-related conditions. ClinVar contains an entry for this variant (Variation ID: 1400299). Algorithms developed to predict the effect of missense changes on protein structure and function output the following: SIFT: "Tolerated"; PolyPhen-2: "Benign"; Align-GVGD: "Class C0". The threonine amino acid residue is found in multiple mammalian species, which suggests that this missense change does not adversely affect protein function. In summary, the available evidence is currently insufficient to determine the role of this variant in disease. Therefore, it has been classified as a Variant of Uncertain Significance.

Literature cited by the submitters: PubMed 24777453 (cited by Women's Health and Genetics/Laboratory Corporation of America, LabCorp); PubMed 26418010 (cited by Women's Health and Genetics/Laboratory Corporation of America, LabCorp); PubMed 31187320 (cited by Women's Health and Genetics/Laboratory Corporation of America, LabCorp).

NM_001557.4(CXCR2):c.109G>A (p.Ala37Thr)

Gene: CXCR2 (C-X-C motif chemokine receptor 2; plus strand). Cytogenetic location: 2q35.
Variant type: single nucleotide variant.
Coding change: c.109G>A on transcript NM_001557.4 (MANE Select); coding-DNA position 109, G replaced by A.
Protein change: p.Ala37Thr; replaces alanine 37 with threonine.
Molecular consequence: missense variant.
Genome position (GRCh38, 1-based): chr2:218,134,910, G>A. VCF-style: chr2-218134910-G-A. GRCh37 (hg19) VCF-style: chr2-218999633-G-A.
Other names: c.109G>A, p.Ala37Thr (NM_001168298.2); short protein forms A37T.
Identifiers: ClinVar variation 1400299 (VCV001400299.5), dbSNP rs75759064, ClinGen allele CA2101648.